The following is an entry in ClinVar:

NM_032776.3(JMJD1C):c.6891C>G (p.Phe2297Leu)

Gene: JMJD1C (jumonji domain containing 1C; minus strand). Cytogenetic location: 10q21.3.
Variant type: single nucleotide variant.
Coding change: c.6891C>G on transcript NM_032776.3 (MANE Select); coding-DNA position 6891, C replaced by G.
Protein change: p.Phe2297Leu; replaces phenylalanine 2297 with leucine.
Molecular consequence: missense variant. On other transcripts: non-coding transcript variant (1).
Genome position (GRCh38, 1-based): chr10:63,184,678, G>C on the plus strand (C>G on the coding strand, the complement: JMJD1C is on the minus strand). VCF-style: chr10-63184678-G-C. GRCh37 (hg19) VCF-style: chr10-64944438-G-C.
Other names: c.6345C>G, p.Phe2115Leu (NM_001282948.2, NM_001318154.2); c.6027C>G, p.Phe2009Leu (NM_001318153.2); c.6777C>G, p.Phe2259Leu (NM_001322252.2); c.6234C>G, p.Phe2078Leu (NM_001322254.2, NM_001322258.2); short protein forms F2297L, F2078L, F2115L, F2009L, F2259L.
Identifiers: ClinVar variation 653270 (VCV000653270.10), dbSNP rs1365240152, ClinGen allele CA377020735.

ClinVar aggregate classification (germline): Uncertain significance (1 of 4 stars; one submission).

Conditions:
Early Myoclonic Encephalopathy. Identifiers: MedGen C0270855.

Allele frequency attached by ClinVar (database versions not stated): TOPMed 0.00001; gnomAD exomes below 0.00001; gnomAD 0.00001.
gnomAD v4.1: 3 of 1,613,656 alleles (0.00019%); highest among the groups gnomAD compares: Non-Finnish European, 0.00025%; no homozygotes.

Submission:

Labcorp Genetics (formerly Invitae), Labcorp
Classification: Uncertain significance for Early Myoclonic Encephalopathy. Last evaluated: 2019-01-17. Review status: criteria provided, single submitter. Criteria: Invitae Variant Classification Sherloc (09022015). Collection method: clinical testing. Allele origin: germline.
Comment: In summary, the available evidence is currently insufficient to determine the role of this variant in disease. Therefore, it has been classified as a Variant of Uncertain Significance. Algorithms developed to predict the effect of missense changes on protein structure and function (SIFT, PolyPhen-2, Align-GVGD) all suggest that this variant is likely to be tolerated, but these predictions have not been confirmed by published functional studies and their clinical significance is uncertain. This variant has not been reported in the literature in individuals with JMJD1C-related conditions. This variant is not present in population databases (ExAC no frequency). This sequence change replaces phenylalanine with leucine at codon 2297 of the JMJD1C protein (p.Phe2297Leu). The phenylalanine residue is moderately conserved and there is a small physicochemical difference between phenylalanine and leucine.